The following is an entry in ClinVar:

NM_001015.5(RPS11):c.213G>C (p.Arg71=)

Gene: RPS11 (ribosomal protein S11; plus strand). Cytogenetic location: 19q13.33.
Variant type: single nucleotide variant.
Coding change: c.213G>C on transcript NM_001015.5 (MANE Select); coding-DNA position 213, G replaced by C.
Protein change: p.Arg71=; no amino-acid change (arginine 71 retained).
Molecular consequence: synonymous variant.
Genome position (GRCh38, 1-based): chr19:49,497,585, G>C. VCF-style: chr19-49497585-G-C. GRCh37 (hg19) VCF-style: chr19-50000842-G-C.
Identifiers: ClinVar variation 2650248 (VCV002650248.24), dbSNP rs368681333, ClinGen allele CA406839275.

ClinVar aggregate classification (germline): Likely benign (1 of 4 stars; one submission).

Submission:

CeGaT Center for Human Genetics Tuebingen
Classification: Likely benign. Last evaluated: 2022-03-01. Review status: criteria provided, single submitter. Criteria: CeGaT Center For Human Genetics Tuebingen Variant Classification Criteria Version 2. Collection method: clinical testing. Allele origin: germline. Affected: yes. Observed: 1 variant allele.
Comment: RPS11: PM2:Supporting, BP4, BP7